The following is an entry in ClinVar:

ClinVar aggregate classification (germline): Uncertain significance (1 of 4 stars; one submission).

Conditions:
Hereditary cancer-predisposing syndrome. Also called: Tumor predisposition; Neoplastic Syndromes, Hereditary; Hereditary neoplastic syndrome; Hereditary Cancer Syndrome. Identifiers: Orphanet 140162, MedGen C0027672, MeSH D009386, MONDO:0015356.

Submission:

Ambry Genetics
Classification: Uncertain significance for Hereditary cancer-predisposing syndrome. Last evaluated: 2025-08-27. Review status: criteria provided, single submitter. Criteria: Ambry Variant Classification Scheme 2023. Collection method: clinical testing. Allele origin: germline.
Comment: The p.D350H variant (also known as c.1048G>C), located in coding exon 12 of the MUTYH gene, results from a G to C substitution at nucleotide position 1048. The aspartic acid at codon 350 is replaced by histidine, an amino acid with similar properties. This amino acid position is conserved. In addition, this alteration is predicted to be tolerated by in silico analysis. Based on the available evidence, the clinical significance of this variant remains unclear.

NM_001048174.2(MUTYH):c.964G>C (p.Asp322His)

Gene: MUTYH (mutY DNA glycosylase; minus strand). Cytogenetic location: 1p34.1.
Variant type: single nucleotide variant.
Coding change: c.964G>C on transcript NM_001048174.2 (MANE Select); coding-DNA position 964, G replaced by C.
Protein change: p.Asp322His; replaces aspartic acid 322 with histidine.
Molecular consequence: missense variant. On other transcripts: non-coding transcript variant (7).
Genome position (GRCh38, 1-based): chr1:45,331,799, C>G on the plus strand (G>C on the coding strand, the complement: MUTYH is on the minus strand). VCF-style: chr1-45331799-C-G. GRCh37 (hg19) VCF-style: chr1-45797471-C-G.
Other names: c.1048G>C, p.Asp350His (NM_001128425.2); c.1009G>C, p.Asp337His (NM_001293190.2); c.997G>C, p.Asp333His (NM_001293191.2, NM_001407069.1, NM_001407077.1); c.688G>C, p.Asp230His (NM_001293192.2, NM_001293196.2, NM_001407091.1); c.964G>C, p.Asp322His (NM_001293195.2, NM_001407081.1, NM_001407088.1 and 6 more transcripts); c.619G>C, p.Asp207His (NM_001350650.2, NM_001407082.1, NM_001350651.2); c.922G>C, p.Asp308His (NM_001407080.1); c.1006G>C, p.Asp336His (NM_001407083.1, NM_001407085.1); and 5 more; short protein forms D309H, D322H, D329H, D308H, D323H, D337H, D350H, D333H.
Identifiers: ClinVar variation 4112959 (VCV004112959.1).
Genomic context (GRCh38, chr1:45,331,799, plus strand): 5'-CCTCCCTGGGGGGCTTGCGGCTGGCCTTTCTGGGGAAGTTGACCACTCCCAGGGTCTGGT[C>G]CCAGGGCTCCGAGGGAGGCAGGCACAGGTGGCACTGTCCAGTGTTGGGAGCTGGGAACGG-3'
Protein context (NP_001041639.1, residues 312-332): HLCLPPSEPW[Asp322His]QTLGVVNFPR